The following is an entry in ClinVar:

ClinVar aggregate classification (germline): Pathogenic. Review status: criteria provided, multiple submitters, no conflicts (2 of 4 stars). 2 submissions from 2 submitters: Pathogenic (2). Last evaluated 2025-05-19.

Conditions:
Ehlers-Danlos syndrome, classic type, 1 (EDSCL1). Also called: EHLERS-DANLOS SYNDROME, GRAVIS TYPE; EHLERS-DANLOS SYNDROME, SEVERE CLASSIC TYPE; Ehlers-Danlos syndrome, type 1; Ehlers-Danlos Syndrome, Classic Type, COL5A1-Related; EDS I. Identifiers: MedGen C0268335, MONDO:0019567, OMIM 130000.
Osteogenesis imperfecta type I (OI1). Also called: OI, TYPE I; OSTEOGENESIS IMPERFECTA TARDA; OSTEOGENESIS IMPERFECTA WITH BLUE SCLERAE; Osteogenesis imperfecta type 1; Lobstein's Disease; Lobstein disease. Identifiers: Orphanet 216796, Orphanet 666, MedGen C0023931, MONDO:0008146, OMIM 166200. Disease mechanism: loss of function.
Osteogenesis imperfecta with normal sclerae, dominant form (OI4). Also called: OSTEOGENESIS IMPERFECTA, TYPE IV, WITH DENTINOGENESIS IMPERFECTA; OSTEOGENESIS IMPERFECTA WITH NORMAL SCLERAE; Osteogenesis imperfecta type 4; Osteogenesis Imperfecta Type IV; Common Variable Osteogenesis Imperfecta with Normal Sclerae. Identifiers: Orphanet 216820, Orphanet 666, MedGen C0268363, MONDO:0008148, OMIM 166220.

Submissions (2):

Labcorp Genetics (formerly Invitae), Labcorp
Classification: Pathogenic for Osteogenesis imperfecta type I; Ehlers-Danlos syndrome, classic type, 1. Last evaluated: 2025-05-19. Review status: criteria provided, single submitter. Criteria: Invitae Variant Classification Sherloc (09022015). Collection method: clinical testing. Allele origin: germline.
Comment: This sequence change replaces glycine, which is neutral and non-polar, with arginine, which is basic and polar, at codon 481 of the COL1A2 protein (p.Gly481Arg). This variant is not present in population databases (gnomAD no frequency). This missense change has been observed in individual(s) with osteogenesis imperfecta (PMID: 11317364). ClinVar contains an entry for this variant (Variation ID: 1420300). Invitae Evidence Modeling of protein sequence and biophysical properties (such as structural, functional, and spatial information, amino acid conservation, physicochemical variation, residue mobility, and thermodynamic stability) indicates that this missense variant is expected to disrupt COL1A2 protein function with a positive predictive value of 95%. This variant disrupts the triple helix domain of COL1A2. Glycine residues within the Gly-Xaa-Yaa repeats of the triple helix domain are required for the structure and stability of fibrillar collagens (PMID: 7695699, 8218237, 19344236). In COL1A2, variants affecting these glycine residues are significantly enriched in individuals with disease (PMID: 9016532, 17078022) compared to the general population (ExAC). For these reasons, this variant has been classified as Pathogenic.

Clinical Biomedical Laboratory, Shriners Hospital For Children - Canada
Classification: Pathogenic for Osteogenesis imperfecta with normal sclerae, dominant form. Review status: criteria provided, single submitter. Criteria: ACMG Guidelines, 2015. Collection method: clinical testing. Allele origin: germline. Affected: yes.
Comment: This variant is predicted to substitute a glycine residue by an arginine residue in the triple helical domain of the collagen type I alpha 2 chain. The variant is absent in the Genome Aggregation Database (v2.1.1), indicating it is very rare. Computational tools (REVEL: 0.98) suggest that the amino acid change is deleterious to protein function. Based on the ACMG variant interpretation guidelines (criteria: PS3, PM2, PM5, PP2, PP3, PP4), the available evidence supports classification of this variant as pathogenic.

Literature cited by the submitters: PubMed 11317364 (cited by Labcorp Genetics (formerly Invitae), Labcorp); PubMed 7695699 (cited by Labcorp Genetics (formerly Invitae), Labcorp); PubMed 8218237 (cited by Labcorp Genetics (formerly Invitae), Labcorp); PubMed 19344236 (cited by Labcorp Genetics (formerly Invitae), Labcorp); PubMed 9016532 (cited by Labcorp Genetics (formerly Invitae), Labcorp); PubMed 17078022 (cited by Labcorp Genetics (formerly Invitae), Labcorp).

NM_000089.4(COL1A2):c.1441G>C (p.Gly481Arg)

Gene: COL1A2 (collagen type I alpha 2 chain; plus strand). Cytogenetic location: 7q21.3.
Variant type: single nucleotide variant.
Coding change: c.1441G>C on transcript NM_000089.4 (MANE Select); coding-DNA position 1441, G replaced by C.
Protein change: p.Gly481Arg; replaces glycine 481 with arginine.
Molecular consequence: missense variant.
Genome position (GRCh38, 1-based): chr7:94,412,620, G>C. VCF-style: chr7-94412620-G-C. GRCh37 (hg19) VCF-style: chr7-94041932-G-C.
Other names: short protein forms G481R.
Identifiers: ClinVar variation 1420300 (VCV001420300.8), dbSNP rs72658120, ClinGen allele CA368221857.